The following is an entry in ClinVar:

ClinVar aggregate classification (germline): Uncertain significance. Review status: criteria provided, multiple submitters, no conflicts (2 of 4 stars). 2 submissions from 2 submitters: Uncertain significance (2). Last evaluated 2024-10-24.

Conditions:
Gorlin syndrome. Also called: Nevoid Basal Cell Carcinoma Syndrome; Basal cell nevus syndrome. Identifiers: Orphanet 377, MedGen C0004779, MONDO:0007187.
Medulloblastoma (MDB). Also called: Medulloblastoma, somatic; MEDULLOBLASTOMA PREDISPOSITION SYNDROME. Identifiers: Orphanet 616, MedGen C0025149, MeSH D008527, MONDO:0007959, OMIM 155255, HP:0002885.
Hereditary cancer-predisposing syndrome. Also called: Hereditary Cancer Syndrome; Tumor predisposition; Neoplastic Syndromes, Hereditary; Hereditary neoplastic syndrome. Identifiers: Orphanet 140162, MedGen C0027672, MeSH D009386, MONDO:0015356.

Submissions (2):

Labcorp Genetics (formerly Invitae), Labcorp
Classification: Uncertain significance for Gorlin syndrome; Medulloblastoma. Last evaluated: 2024-10-24. Review status: criteria provided, single submitter. Criteria: Invitae Variant Classification Sherloc (09022015). Collection method: clinical testing. Allele origin: germline.
Comment: This sequence change replaces glutamic acid, which is acidic and polar, with aspartic acid, which is acidic and polar, at codon 40 of the SUFU protein (p.Glu40Asp). This variant is not present in population databases (gnomAD no frequency). This variant has not been reported in the literature in individuals affected with SUFU-related conditions. Invitae Evidence Modeling of protein sequence and biophysical properties (such as structural, functional, and spatial information, amino acid conservation, physicochemical variation, residue mobility, and thermodynamic stability) indicates that this missense variant is not expected to disrupt SUFU protein function with a negative predictive value of 80%. In summary, the available evidence is currently insufficient to determine the role of this variant in disease. Therefore, it has been classified as a Variant of Uncertain Significance.

Ambry Genetics
Classification: Uncertain significance for Hereditary cancer-predisposing syndrome. Last evaluated: 2023-09-28. Review status: criteria provided, single submitter. Criteria: Ambry Variant Classification Scheme 2023. Collection method: clinical testing. Allele origin: germline.
Comment: The p.E40D variant (also known as c.120G>T), located in coding exon 1 of the SUFU gene, results from a G to T substitution at nucleotide position 120. The glutamic acid at codon 40 is replaced by aspartic acid, an amino acid with highly similar properties. This amino acid position is conserved. In addition, the in silico prediction for this alteration is inconclusive. Since supporting evidence is limited at this time, the clinical significance of this alteration remains unclear.

NM_016169.4(SUFU):c.120G>T (p.Glu40Asp)

Gene: SUFU (SUFU negative regulator of hedgehog signaling; plus strand). Cytogenetic location: 10q24.32.
Variant type: single nucleotide variant.
Coding change: c.120G>T on transcript NM_016169.4 (MANE Select); coding-DNA position 120, G replaced by T.
Protein change: p.Glu40Asp; replaces glutamic acid 40 with aspartic acid.
Molecular consequence: missense variant.
Genome position (GRCh38, 1-based): chr10:102,504,272, G>T. VCF-style: chr10-102504272-G-T. GRCh37 (hg19) VCF-style: chr10-104264029-G-T.
Other names: c.120G>T, p.Glu40Asp (NM_001178133.2); short protein forms E40D.
Identifiers: ClinVar variation 3226859 (VCV003226859.3), dbSNP rs2544831363, ClinGen allele CA377886547.
Genomic context (GRCh38, chr10:102,504,272, plus strand): 5'-GACTGCCCCCCCGGCCTTCGCTTCGCTCTTTCCCCCGGGACTGCACGCCATCTACGGAGA[G>T]TGCCGCCGCCTTTACCCTGACCAGCCGAACCCGCTCCAGGTTACCGCTATCGTCAAGTAC-3'
Protein context (NP_057253.2, residues 30-50): FPPGLHAIYG[Glu40Asp]CRRLYPDQPN